The following is an entry in ClinVar:

NM_000038.6(APC):c.5746C>A (p.Gln1916Lys)

Gene: APC (APC regulator of Wnt signaling pathway; plus strand). Cytogenetic location: 5q22.2.
Variant type: single nucleotide variant.
Coding change: c.5746C>A on transcript NM_000038.6 (MANE Select); coding-DNA position 5746, C replaced by A.
Protein change: p.Gln1916Lys; replaces glutamine 1916 with lysine.
Molecular consequence: missense variant.
Genome position (GRCh38, 1-based): chr5:112,841,340, C>A. VCF-style: chr5-112841340-C-A. GRCh37 (hg19) VCF-style: chr5-112177037-C-A.
Other names: c.5746C>A, p.Gln1916Lys (NM_001127510.3, NM_001354895.2); c.5692C>A, p.Gln1898Lys (NM_001127511.3); c.5800C>A, p.Gln1934Lys (NM_001354896.2); c.5776C>A, p.Gln1926Lys (NM_001354897.2); c.5671C>A, p.Gln1891Lys (NM_001354898.2); c.5662C>A, p.Gln1888Lys (NM_001354899.2); c.5623C>A, p.Gln1875Lys (NM_001354900.2); c.5569C>A, p.Gln1857Lys (NM_001354901.2); and 5 more; short protein forms Q1898K, Q1916K, Q1815K, Q1756K, Q1790K, Q1857K, Q1891K, Q1633K.
Identifiers: ClinVar variation 411552 (VCV000411552.10), dbSNP rs1060503369, ClinGen allele CA16033907.

ClinVar aggregate classification (germline): Uncertain significance. Review status: criteria provided, multiple submitters, no conflicts (2 of 4 stars). 2 submissions from 2 submitters: Uncertain significance (2). Last evaluated 2024-01-26.

Conditions:
Familial adenomatous polyposis 1 (FAP1). Also called: FAMILIAL ADENOMATOUS POLYPOSIS 1, ATTENUATED; POLYPOSIS, ADENOMATOUS INTESTINAL. Identifiers: MedGen C2713442, MONDO:0021056, OMIM 175100. Disease mechanism: loss of function.
Hereditary cancer-predisposing syndrome. Also called: Tumor predisposition; Hereditary Cancer Syndrome; Hereditary neoplastic syndrome; Neoplastic Syndromes, Hereditary. Identifiers: Orphanet 140162, MedGen C0027672, MeSH D009386, MONDO:0015356.

Allele frequency attached by ClinVar (database versions not stated): gnomAD exomes below 0.00001.
gnomAD v4.1: 1 of 1,613,914 alleles (0.000062%); highest among the groups gnomAD compares: Non-Finnish European, 0.000085%; no homozygotes.

Submissions (2):

Ambry Genetics
Classification: Uncertain significance for Hereditary cancer-predisposing syndrome. Last evaluated: 2024-01-26. Review status: criteria provided, single submitter. Criteria: Ambry Variant Classification Scheme 2023. Collection method: clinical testing. Allele origin: germline.
Comment: The p.Q1916K variant (also known as c.5746C>A), located in coding exon 15 of the APC gene, results from a C to A substitution at nucleotide position 5746. The glutamine at codon 1916 is replaced by lysine, an amino acid with similar properties. In a study aimed at identifying APC variants associated with increased risk of developing colorectal adenomas, the p.Q1916K variant was detected in 0/691 affected individuals and 1/969 healthy controls (Azzopardi D et al. Cancer Res. 2008 Jan;68:358-63). This amino acid position is poorly conserved in available vertebrate species. In addition, in silico predictors for this gene do not accurately predict pathogenicity. Since supporting evidence is limited at this time, the clinical significance of this alteration remains unclear.

Labcorp Genetics (formerly Invitae), Labcorp
Classification: Uncertain significance for Familial adenomatous polyposis 1. Last evaluated: 2023-08-24. Review status: criteria provided, single submitter. Criteria: Invitae Variant Classification Sherloc (09022015). Collection method: clinical testing. Allele origin: germline.
Comment: This sequence change replaces glutamine, which is neutral and polar, with lysine, which is basic and polar, at codon 1916 of the APC protein (p.Gln1916Lys). This variant is not present in population databases (gnomAD no frequency). This variant has not been reported in the literature in individuals affected with APC-related conditions. ClinVar contains an entry for this variant (Variation ID: 411552). Advanced modeling of protein sequence and biophysical properties (such as structural, functional, and spatial information, amino acid conservation, physicochemical variation, residue mobility, and thermodynamic stability) performed at Invitae indicates that this missense variant is not expected to disrupt APC protein function. In summary, the available evidence is currently insufficient to determine the role of this variant in disease. Therefore, it has been classified as a Variant of Uncertain Significance.

Literature cited by the submitters: PubMed 18199528 (cited by Ambry Genetics).